The following is an entry in ClinVar:

ClinVar aggregate classification (germline): Uncertain significance (1 of 4 stars; one submission).

Conditions:
Dilated cardiomyopathy 1KK (CMD1KK). Identifiers: Orphanet 154, Orphanet 75249, MedGen C3714995, MONDO:0014100, OMIM 615248.

Submission:

Labcorp Genetics (formerly Invitae), Labcorp
Classification: Uncertain significance for Dilated cardiomyopathy 1KK. Last evaluated: 2022-02-04. Review status: criteria provided, single submitter. Criteria: Invitae Variant Classification Sherloc (09022015). Collection method: clinical testing. Allele origin: germline.
Comment: In summary, the available evidence is currently insufficient to determine the role of this variant in disease. Therefore, it has been classified as a Variant of Uncertain Significance. Algorithms developed to predict the effect of missense changes on protein structure and function (SIFT, PolyPhen-2, Align-GVGD) all suggest that this variant is likely to be tolerated. ClinVar contains an entry for this variant (Variation ID: 645687). This variant has not been reported in the literature in individuals affected with MYPN-related conditions. This variant is not present in population databases (gnomAD no frequency). This sequence change replaces threonine, which is neutral and polar, with isoleucine, which is neutral and non-polar, at codon 1046 of the MYPN protein (p.Thr1046Ile).

NM_032578.4(MYPN):c.3137C>T (p.Thr1046Ile)

Gene: MYPN (myopalladin; plus strand). Cytogenetic location: 10q21.3.
Variant type: single nucleotide variant.
Coding change: c.3137C>T on transcript NM_032578.4 (MANE Select); coding-DNA position 3137, C replaced by T.
Protein change: p.Thr1046Ile; replaces threonine 1046 with isoleucine.
Molecular consequence: missense variant. On other transcripts: non-coding transcript variant (2).
Genome position (GRCh38, 1-based): chr10:68,195,511, C>T. VCF-style: chr10-68195511-C-T. GRCh37 (hg19) VCF-style: chr10-69955268-C-T.
Other names: c.3137C>T, p.Thr1046Ile (NM_001256267.2); c.2255C>T, p.Thr752Ile (NM_001256268.2); short protein forms T1046I, T752I.
Identifiers: ClinVar variation 645687 (VCV000645687.8), dbSNP rs1589608140, ClinGen allele CA376857629.
Genomic context (GRCh38, chr10:68,195,511, plus strand): 5'-GGAGAATCAGCTGTTCTGGCCACTTGATGGTACAAAGTTTGCCCATTCGCAGTCGGCTAA[C>T]CTCTGCTGGTCAGTCTCACAGGTAAAGACAGTAAGAATTCCCCCTCTCTAGGCCCTTCCC-3'
Protein context (NP_115967.2, residues 1036-1056): VQSLPIRSRL[Thr1046Ile]SAGQSHRGRS